The following is an entry in ClinVar:

ClinVar aggregate classification (germline): Likely pathogenic (1 of 4 stars; one submission).

Conditions:
Familial dysautonomia. Also called: HSAN III; FD. Identifiers: Orphanet 1764, MedGen C0013364, MONDO:0009131, OMIM 223900. Disease mechanism: loss of function.

Submission:

Natera, Inc.
Classification: Likely pathogenic for Familial dysautonomia. Last evaluated: 2024-09-26. Review status: criteria provided, single submitter. Criteria: Natera Variant Classification Schema (03/2026). Collection method: clinical testing. Allele origin: germline.
Comment: The c.804dupT variant in ELP1 is a frameshift variant predicted to shift the reading frame and introduce a stop codon. This variant is expected to result in nonsense mediated decay, truncation, or a dysfunctional protein product. This variant is rare in the general population with a frequency below the threshold expected for the associated phenotype(s). Given the available evidence, this variant is classified as Likely Pathogenic.

NM_003640.5(ELP1):c.804dup (p.Glu269Ter)

Gene: ELP1 (elongator acetyltransferase complex subunit 1; minus strand). Cytogenetic location: 9q31.3.
Variant type: Duplication.
Coding change: c.804dup on transcript NM_003640.5 (MANE Select); coding-DNA position 804, one base duplicated (T; older notation c.804dupT).
Protein change: p.Glu269Ter; replaces glutamic acid 269 with a stop codon.
Molecular consequence: nonsense. On other transcripts: 5 prime UTR variant (1).
Genome position (GRCh38, 1-based): chr9:108,917,607, A duplicated on the plus strand (T on the coding strand, the reverse complement: ELP1 is on the minus strand); the first of 6 consecutive A bases (chr9:108,917,607-108,917,612); duplicating any one gives the same sequence. VCF-style (leftmost placement, unchanged base first): chr9-108917606-C-CA. GRCh37 (hg19) VCF-style: chr9-111679886-C-CA.
Other names: c.462dup, p.Glu155Ter (NM_001318360.2); c.-244dup (NM_001330749.2); short protein forms E155*, E269*.
Identifiers: ClinVar variation 4815250 (VCV004815250.1).